The following is an entry in ClinVar:

ClinVar aggregate classification (germline): Conflicting classifications of pathogenicity. Review status: criteria provided, conflicting classifications (1 of 4 stars). 11 submissions from 11 submitters: Uncertain significance (4); Likely benign (7). Last evaluated 2026-04-22.

Conditions:
TTN-related disorder. Also called: TTN-related condition; TTN-related disease; TTN-related disorders.
Cardiovascular phenotype. Identifiers: MedGen CN230736.
Dilated cardiomyopathy 1G (CMD1G). Identifiers: Orphanet 154, MedGen C1858763, MONDO:0011400, OMIM 604145.
Autosomal recessive limb-girdle muscular dystrophy type 2J (LGMDR10). Also called: Limb-girdle muscular dystrophy, type 2J; MUSCULAR DYSTROPHY, LIMB-GIRDLE, AUTOSOMAL RECESSIVE 10. Identifiers: Orphanet 140922, MedGen C1837342, MONDO:0012127, OMIM 608807.
Cardiomyopathy (CMYO). Also called: Cardiomyopathies. Identifiers: Orphanet 167848, MedGen C0878544, MONDO:0004994, HP:0001638. Inheritance: Various modes of inheritance.

Allele frequency attached by ClinVar (database versions not stated): ExAC 0.00017; ESP Exome Variant Server 0.00025; 1000 Genomes Project 30x 0.00031; gnomAD 0.00038 and 0.00041; 1000 Genomes Project 0.00040; TOPMed 0.00045.
gnomAD v4.1: 129 of 1,593,882 alleles (0.0081%); highest among the groups gnomAD compares: African/African-American, 0.12%; no homozygotes.

Submissions (11):

PreventionGenetics, part of Exact Sciences
Classification: Uncertain significance for TTN-related condition. Last evaluated: 2026-04-22. Review status: criteria provided, single submitter. Criteria: ACMG Guidelines, 2015. Collection method: clinical testing. Allele origin: germline.
Comment: The TTN c.52022G>A variant is predicted to result in the amino acid substitution p.Arg17341Gln. To our knowledge, this variant has not been reported in the literature in TTN-related disorders. This variant is reported in 0.075% of alleles in individuals of African descent in gnomAD. Although we suspect that this variant may be benign, at this time, the clinical significance of this variant is uncertain due to the absence of conclusive functional and genetic evidence.

Labcorp Genetics (formerly Invitae), Labcorp
Classification: Likely benign for Dilated cardiomyopathy 1G; Autosomal recessive limb-girdle muscular dystrophy type 2J. Last evaluated: 2026-01-21. Review status: criteria provided, single submitter. Criteria: Invitae Variant Classification Sherloc (09022015). Collection method: clinical testing. Allele origin: germline.

Women's Health and Genetics/Laboratory Corporation of America, LabCorp
Classification: Likely benign. Last evaluated: 2025-12-15. Review status: criteria provided, single submitter. Criteria: LabCorp Variant Classification Summary - May 2015. Collection method: clinical testing. Allele origin: germline.
Comment: Variant summary: TTN c.44318G>A (p.Arg14773Gln) results in a conservative amino acid change in the encoded protein sequence. Algorithms developed to predict the effect of missense changes on protein structure and function are either unavailable or do not agree on the potential impact of this missense change. The variant allele was found at a frequency of 8.1e-05 in 1593882 control chromosomes, predominantly at a frequency of 0.0012 within the African or African-American subpopulation in the gnomAD database. The observed variant frequency within African or African-American control individuals in the gnomAD database exceeds the estimated maximal expected allele frequency for disease-causing variants in TTN. c.44318G>A has been observed an individual affected with Sudden Arrhythmic Death Syndrome (SADS)(Nunn_2016). This report does not provide unequivocal conclusions about association of the variant with Dilated Cardiomyopathy or other TTN-related conditions. To our knowledge, no experimental evidence demonstrating an impact on protein function has been reported. The following publication has been ascertained in the context of this evaluation (PMID: 26498160). ClinVar contains an entry for this variant (Variation ID: 195709). Based on the evidence outlined above, the variant was classified as likely benign.

Molecular Diagnostic Laboratory for Inherited Cardiovascular Disease, Montreal Heart Institute
Classification: Likely benign. Last evaluated: 2025-04-09. Review status: criteria provided, single submitter. Criteria: ACMG Guidelines, 2015. Collection method: clinical testing. Allele origin: germline. Affected: no.

Revvity Omics, Revvity
Classification: Uncertain significance. Last evaluated: 2025-01-17. Review status: criteria provided, single submitter. Criteria: ACMG Guidelines, 2015. Collection method: clinical testing. Allele origin: germline.

Blueprint Genetics
Classification: Likely benign. Last evaluated: 2023-11-08. Review status: criteria provided, single submitter. Criteria: ACMG Guidelines, 2015. Collection method: clinical testing. Allele origin: germline.

ARUP Laboratories, Molecular Genetics and Genomics, ARUP Laboratories
Classification: Uncertain significance. Last evaluated: 2020-10-20. Review status: criteria provided, single submitter. Criteria: ARUP Molecular Germline Variant Investigation Process 2021. Collection method: clinical testing. Allele origin: germline.
Comment: The TTN c.52022G>A; p.Arg17341Gln variant (rs370390570; ClinVar Variation ID: 195709) is rare in the general population (<0.2% allele frequency in the Genome Aggregation Database) and has not been reported in the medical literature in association with dilated cardiomyopathy (DCM) or other TTN-related disease. The clinical relevance of rare missense variants in this gene, which are identified on average once per individual sequenced in affected populations (Herman 2012), is not well understood. Yet, evidence suggests that the vast majority of such missense variants do not contribute to the clinical outcome of DCM (Begay 2015). Thus, the clinical significance of the p.Arg17341Gln variant cannot be determined with certainty.

CHEO Genetics Diagnostic Laboratory, Children's Hospital of Eastern Ontario
Classification: Likely benign for Cardiomyopathy. Last evaluated: 2019-08-30. Review status: criteria provided, single submitter. Criteria: ACMG Guidelines, 2015. Collection method: clinical testing. Allele origin: germline.

GeneDx
Classification: Likely benign. Last evaluated: 2019-07-24. Review status: criteria provided, single submitter. Criteria: GeneDx Variant Classification Process June 2021. Collection method: clinical testing. Allele origin: germline. Affected: yes.
Comment: This variant is associated with the following publications: (PMID: 17344846)

Ambry Genetics
Classification: Likely benign for Cardiovascular phenotype. Last evaluated: 2019-06-07. Review status: criteria provided, single submitter. Criteria: Ambry Variant Classification Scheme 2023. Collection method: clinical testing. Allele origin: germline.

Eurofins Ntd Llc (ga)
Classification: Uncertain significance. Last evaluated: 2017-09-19. Review status: criteria provided, single submitter. Criteria: EGL Classification Definitions 2015. Collection method: clinical testing. Allele origin: germline. Observed: 2 variant alleles, 2 heterozygotes.

Literature cited by the submitters: PubMed 26498160 (cited by Women's Health and Genetics/Laboratory Corporation of America, LabCorp).

NM_001267550.2(TTN):c.52022G>A (p.Arg17341Gln)

Genes: TTN-AS1 (TTN antisense RNA 1; plus strand), TTN (titin; minus strand). Cytogenetic location: 2q31.2.
Variant type: single nucleotide variant.
Coding change: c.52022G>A on transcript NM_001267550.2 (MANE Select); coding-DNA position 52022, G replaced by A.
Protein change: p.Arg17341Gln; replaces arginine 17341 with glutamine.
Molecular consequence: missense variant.
Genome position (GRCh38, 1-based): chr2:178,609,288, C>T on the plus strand (G>A on the coding strand, the complement: TTN is on the minus strand). VCF-style: chr2-178609288-C-T. GRCh37 (hg19) VCF-style: chr2-179474015-C-T.
Other names: c.47099G>A, p.Arg15700Gln (NM_001256850.1); c.24827G>A, p.Arg8276Gln (NM_003319.4); c.44318G>A, p.Arg14773Gln (NM_133378.4); c.25202G>A, p.Arg8401Gln (NM_133432.3); c.25403G>A, p.Arg8468Gln (NM_133437.4); short protein forms R17341Q, R14773Q, R15700Q, R8276Q, R8401Q, R8468Q.
Identifiers: ClinVar variation 195709 (VCV000195709.34), dbSNP rs370390570, ClinGen allele CA242250.